The following is an entry in ClinVar:

ClinVar aggregate classification (germline): Uncertain significance (1 of 4 stars; one submission).

Allele frequency attached by ClinVar (database versions not stated): ExAC 0.00001; TOPMed 0.00001; gnomAD 0.00002; gnomAD exomes 0.00002; ESP Exome Variant Server 0.00008.
gnomAD v4.1: 33 of 1,613,574 alleles (0.002%); highest among the groups gnomAD compares: South Asian, 0.0033%; no homozygotes.

Submission:

GeneDx
Classification: Uncertain significance. Last evaluated: 2022-04-13. Review status: criteria provided, single submitter. Criteria: GeneDx Variant Classification Process June 2021. Collection method: clinical testing. Allele origin: germline. Affected: yes.
Comment: In silico analysis supports that this missense variant has a deleterious effect on protein structure/function; Has not been previously published as pathogenic or benign to our knowledge

NM_001089.3(ABCA3):c.1988G>A (p.Arg663His)

Gene: ABCA3 (ATP binding cassette subfamily A member 3; minus strand). Cytogenetic location: 16p13.3.
Variant type: single nucleotide variant.
Coding change: c.1988G>A on transcript NM_001089.3 (MANE Select); coding-DNA position 1988, G replaced by A.
Protein change: p.Arg663His; replaces arginine 663 with histidine.
Molecular consequence: missense variant.
Genome position (GRCh38, 1-based): chr16:2,297,830, C>T on the plus strand (G>A on the coding strand, the complement: ABCA3 is on the minus strand). VCF-style: chr16-2297830-C-T. GRCh37 (hg19) VCF-style: chr16-2347831-C-T.
Other names: short protein forms R663H.
Identifiers: ClinVar variation 1710864 (VCV001710864.2), dbSNP rs148780137, ClinGen allele CA7841008.